The following is an entry in ClinVar:

NM_007294.4(BRCA1):c.5468-8G>A

Gene: BRCA1 (BRCA1 DNA repair associated; minus strand). Cytogenetic location: 17q21.31.
Variant type: single nucleotide variant.
Coding change: c.5468-8G>A on transcript NM_007294.4 (MANE Select); 8 bases into the intron before coding-DNA position 5468, G replaced by A.
Molecular consequence: intron variant.
Genome position (GRCh38, 1-based): chr17:43,045,810, C>T on the plus strand (G>A on the coding strand, the complement: BRCA1 is on the minus strand). VCF-style: chr17-43045810-C-T. GRCh37 (hg19) VCF-style: chr17-41197827-C-T.
Other names: c.2015-8G>A (NM_001408458.1, NM_001408461.1, NM_001408464.1 and 7 more transcripts); c.4577-8G>A (NM_001407967.1); c.5087-8G>A (NM_001407959.1); c.5201-8G>A (NM_001407931.1, NM_001407932.1, NM_001407928.1 and 4 more transcripts); c.5324-8G>A (NM_001407747.1, NM_001407745.1, NM_001407737.1 and 18 more transcripts); c.5084-8G>A (NM_001407962.1, NM_001407960.1); c.1655-8G>A (NM_001408512.1); c.1778-8G>A (NM_001408510.1); and 83 more.
Identifiers: ClinVar variation 867563 (VCV000867563.6), dbSNP rs1597797270, ClinGen allele CA916080715.
Genomic context (GRCh38, chr17:43,045,810, plus strand): 5'-GTCCAACACCCACTCTCGGGTCACCACAGGTGCCTCACACATCTGCCCAATTGCTGGAGA[C>T]AGAGAACACAAGCAGAGATTAGTGTCAATTCATTCTCCTGGACTAGGCTCTAATCAATCG-3'

ClinVar aggregate classification (germline): Likely benign (1 of 4 stars; one submission).

Conditions:
Hereditary breast ovarian cancer syndrome. Also called: Hereditary breast and ovarian cancer; Hereditary breast and ovarian cancer syndrome (HBOC); Breast and ovarian cancer; Hereditary breast and/or ovarian cancer syndrome; BRCA1- and BRCA2-Associated Hereditary Breast and Ovarian Cancer; Hereditary breast and ovarian cancer syndrome. Identifiers: Orphanet 145, MedGen C0677776, MeSH D061325, MONDO:0003582. Disease mechanism: loss of function.

Submissions (2):

Labcorp Genetics (formerly Invitae), Labcorp
Classification: Likely benign for Hereditary breast ovarian cancer syndrome. Last evaluated: 2023-10-17. Review status: criteria provided, single submitter. Criteria: Invitae Variant Classification Sherloc (09022015). Collection method: clinical testing. Allele origin: germline.

Brotman Baty Institute, University of Washington
No classification provided (evidence only). Condition: Breast-ovarian cancer, familial 1. Review status: no classification provided. Collection method: in vitro. Allele origin: not applicable. Functional consequence: functionally_normal. Not counted in ClinVar's aggregate classification.
ClinVar note: "not provided" was previously submitted as the classification for the variant. However, the classification appeared to be based only on an observation of functional data so it was converted to no classification on 2025-07-30.